The following is an entry in ClinVar:

NM_004830.4(MED23):c.459C>T (p.Ser153=)

Gene: MED23 (mediator complex subunit 23; minus strand). Cytogenetic location: 6q23.2.
Variant type: single nucleotide variant.
Coding change: c.459C>T on transcript NM_004830.4 (MANE Select); coding-DNA position 459, C replaced by T.
Protein change: p.Ser153=; no amino-acid change (serine 153 retained).
Molecular consequence: synonymous variant.
Genome position (GRCh38, 1-based): chr6:131,621,917, G>A on the plus strand (C>T on the coding strand, the complement: MED23 is on the minus strand). VCF-style: chr6-131621917-G-A. GRCh37 (hg19) VCF-style: chr6-131943057-G-A.
Other names: c.459C>T, p.Ser153= (NM_001270521.2, NM_001270522.2, NM_001376517.1 and 7 more transcripts); c.387C>T, p.Ser129= (NM_001376518.1).
Identifiers: ClinVar variation 728912 (VCV000728912.31), dbSNP rs141237898, ClinGen allele CA4000242.

ClinVar aggregate classification (germline): Benign/Likely benign. Review status: criteria provided, multiple submitters, no conflicts (2 of 4 stars). 4 submissions from 4 submitters: Benign (1); Likely benign (2). 1 of the submissions does not count toward it. Last evaluated 2024-08-01.

Conditions:
MED23-related disorder. Also called: MED23-related condition.
Inborn genetic diseases. Identifiers: MedGen C0950123, MeSH D030342.

Allele frequency attached by ClinVar (database versions not stated): gnomAD 0.00028 and 0.00039; gnomAD exomes 0.00030 and 0.00076; TOPMed 0.00040; ExAC 0.00077; 1000 Genomes Project 30x 0.00125; 1000 Genomes Project 0.00140.
gnomAD v4.1: 501 of 1,613,558 alleles (0.031%); highest among the groups gnomAD compares: East Asian, 0.98%; 6 homozygotes.

Submissions (4):

CeGaT Center for Human Genetics Tuebingen
Classification: Likely benign. Last evaluated: 2024-08-01. Review status: criteria provided, single submitter. Criteria: CeGaT Center For Human Genetics Tuebingen Variant Classification Criteria Version 2. Collection method: clinical testing. Allele origin: germline. Affected: yes. Observed: 2 variant alleles.
Comment: MED23: BP4, BP7

Labcorp Genetics (formerly Invitae), Labcorp
Classification: Benign. Last evaluated: 2019-12-31. Review status: criteria provided, single submitter. Criteria: Invitae Variant Classification Sherloc (09022015). Collection method: clinical testing. Allele origin: germline.

Ambry Genetics
Classification: Likely benign for Inborn genetic diseases. Last evaluated: 2019-10-28. Review status: criteria provided, single submitter. Criteria: Ambry Variant Classification Scheme 2023. Collection method: clinical testing. Allele origin: germline.

PreventionGenetics, part of Exact Sciences
Classification: Likely benign for MED23-related condition. Last evaluated: 2019-02-22. Review status: no assertion criteria provided. Collection method: clinical testing. Allele origin: germline. Not counted in ClinVar's aggregate classification.
Comment: This variant is classified as likely benign based on ACMG/AMP sequence variant interpretation guidelines (Richards et al. 2015 PMID: 25741868, with internal and published modifications).